The following is an entry in ClinVar:

NM_032977.4(CASP10):c.1465C>T (p.Arg489Ter)

Gene: CASP10 (caspase 10; plus strand). Cytogenetic location: 2q33.1.
Variant type: single nucleotide variant.
Coding change: c.1465C>T on transcript NM_032977.4 (MANE Select); coding-DNA position 1465, C replaced by T.
Protein change: p.Arg489Ter; replaces arginine 489 with a stop codon.
Molecular consequence: nonsense. On other transcripts: 3 prime UTR variant (1), intron variant (2).
Genome position (GRCh38, 1-based): chr2:201,217,637, C>T. VCF-style: chr2-201217637-C-T. GRCh37 (hg19) VCF-style: chr2-202082360-C-T.
Other names: c.1264C>T, p.Arg422Ter (NM_001206524.2); c.1336C>T, p.Arg446Ter (NM_001230.5); c.*551C>T (NM_032976.4); c.1415+8075C>T (NM_032974.5); c.1286+8075C>T (NM_001206542.2); short protein forms R489*, R422*, R446*.
Identifiers: ClinVar variation 1031528 (VCV001031528.8), dbSNP rs746530401, ClinGen allele CA2053278.

ClinVar aggregate classification (germline): Uncertain significance. Review status: criteria provided, multiple submitters, no conflicts (2 of 4 stars). 3 submissions from 3 submitters: Uncertain significance (3). Last evaluated 2024-01-22.

Conditions:
Autoimmune lymphoproliferative syndrome type 2A (ALPS2A). Also called: AUTOIMMUNE LYMPHOPROLIFERATIVE SYNDROME, TYPE IIA; Autoimmune lymphoproliferative syndrome type 2; CASP10-Related Autoimmune Lymphoproliferative Syndrome. Identifiers: Orphanet 3261, MedGen C1858968, MONDO:0011383, OMIM 603909.

Allele frequency attached by ClinVar (database versions not stated): gnomAD below 0.00001 and 0.00001; gnomAD exomes 0.00002; TOPMed 0.00002; ExAC 0.00003.
gnomAD v4.1: 33 of 1,614,126 alleles (0.002%); highest among the groups gnomAD compares: East Asian, 0.0089%; no homozygotes.

Submissions (3):

Labcorp Genetics (formerly Invitae), Labcorp
Classification: Uncertain significance for Autoimmune lymphoproliferative syndrome type 2A. Last evaluated: 2024-01-22. Review status: criteria provided, single submitter. Criteria: Invitae Variant Classification Sherloc (09022015). Collection method: clinical testing. Allele origin: germline.
Comment: This sequence change creates a premature translational stop signal (p.Arg489*) in the CASP10 gene. While this is not anticipated to result in nonsense mediated decay, it is expected to disrupt the last 34 amino acid(s) of the CASP10 protein. This variant is present in population databases (rs746530401, gnomAD 0.03%). This variant has not been reported in the literature in individuals affected with CASP10-related conditions. ClinVar contains an entry for this variant (Variation ID: 1031528). Algorithms developed to predict the effect of sequence changes on RNA splicing suggest that this variant may create or strengthen a splice site. In summary, the available evidence is currently insufficient to determine the role of this variant in disease. Therefore, it has been classified as a Variant of Uncertain Significance.

Revvity Omics, Revvity
Classification: Uncertain significance for Autoimmune lymphoproliferative syndrome type 2A. Last evaluated: 2022-09-29. Review status: criteria provided, single submitter. Criteria: ACMG Guidelines, 2015. Collection method: clinical testing. Allele origin: germline.

Baylor Genetics
Classification: Uncertain significance for Autoimmune lymphoproliferative syndrome type 2A. Last evaluated: 2018-09-25. Review status: criteria provided, single submitter. Criteria: ACMG Guidelines, 2015. Collection method: clinical testing. Allele origin: maternal. Affected: yes.
Comment: This variant was determined to be of uncertain significance according to ACMG Guidelines, 2015 [PMID:25741868].